The following is an entry in ClinVar:

ClinVar aggregate classification (germline): Uncertain significance (1 of 4 stars; one submission).

Conditions:
Autosomal dominant Parkinson disease 8. Also called: Parkinson disease 8, susceptibility to; LRRK2-Related Parkinson Disease; Parkinson disease 8. Identifiers: Orphanet 411602, MedGen C1846862, MONDO:0011764, OMIM 607060.

Submission:

Labcorp Genetics (formerly Invitae), Labcorp
Classification: Uncertain significance for Autosomal dominant Parkinson disease 8. Last evaluated: 2024-11-11. Review status: criteria provided, single submitter. Criteria: Invitae Variant Classification Sherloc (09022015). Collection method: clinical testing. Allele origin: germline.
Comment: This sequence change replaces glycine, which is neutral and non-polar, with arginine, which is basic and polar, at codon 1341 of the LRRK2 protein (p.Gly1341Arg). This variant is not present in population databases (gnomAD no frequency). This variant has not been reported in the literature in individuals affected with LRRK2-related conditions. Invitae Evidence Modeling of protein sequence and biophysical properties (such as structural, functional, and spatial information, amino acid conservation, physicochemical variation, residue mobility, and thermodynamic stability) has been performed for this missense variant. However, the output from this modeling did not meet the statistical confidence thresholds required to predict the impact of this variant on LRRK2 protein function. In summary, the available evidence is currently insufficient to determine the role of this variant in disease. Therefore, it has been classified as a Variant of Uncertain Significance.

NM_198578.4(LRRK2):c.4021G>A (p.Gly1341Arg)

Gene: LRRK2 (leucine rich repeat kinase 2; plus strand). Cytogenetic location: 12q12.
Variant type: single nucleotide variant.
Coding change: c.4021G>A on transcript NM_198578.4 (MANE Select); coding-DNA position 4021, G replaced by A.
Protein change: p.Gly1341Arg; replaces glycine 1341 with arginine.
Molecular consequence: missense variant.
Genome position (GRCh38, 1-based): chr12:40,308,528, G>A. VCF-style: chr12-40308528-G-A. GRCh37 (hg19) VCF-style: chr12-40702330-G-A.
Other names: short protein forms G1341R.
Identifiers: ClinVar variation 3664673 (VCV003664673.2).